The following is an entry in ClinVar:

NM_152381.6(XIRP2):c.7719T>C (p.Thr2573=)

Gene: XIRP2 (xin actin binding repeat containing 2; plus strand). Cytogenetic location: 2q24.3.
Variant type: single nucleotide variant.
Coding change: c.7719T>C on transcript NM_152381.6 (MANE Select); coding-DNA position 7719, T replaced by C.
Protein change: p.Thr2573=; no amino-acid change (threonine 2573 retained).
Molecular consequence: synonymous variant. On other transcripts: intron variant (3).
Genome position (GRCh38, 1-based): chr2:167,249,111, T>C. VCF-style: chr2-167249111-T-C. GRCh37 (hg19) VCF-style: chr2-168105621-T-C.
Other names: c.7053T>C, p.Thr2351= (NM_001199144.2); c.1276-4921T>C (NM_001199143.2); c.1177-4921T>C (NM_001079810.4); c.511-4921T>C (NM_001199145.2).
Identifiers: ClinVar variation 3035476 (VCV003035476.2), dbSNP rs201491458, ClinGen allele CA1947679.

ClinVar aggregate classification (germline): Likely benign (0 of 4 stars; one submission).

Conditions:
XIRP2-related disorder. Also called: XIRP2-related condition.

Allele frequency attached by ClinVar (database versions not stated): gnomAD exomes 0.00014; gnomAD 0.00018; 1000 Genomes Project 0.00020; ExAC 0.00021; 1000 Genomes Project 30x 0.00031; TOPMed 0.00039.
gnomAD v4.1: 265 of 1,613,508 alleles (0.016%); highest among the groups gnomAD compares: Middle Eastern, 0.099%; no homozygotes.

Submission:

PreventionGenetics, part of Exact Sciences
Classification: Likely benign for XIRP2-related condition. Last evaluated: 2019-03-06. Review status: no assertion criteria provided. Collection method: clinical testing. Allele origin: germline.
Comment: This variant is classified as likely benign based on ACMG/AMP sequence variant interpretation guidelines (Richards et al. 2015 PMID: 25741868, with internal and published modifications).